The following is an entry in ClinVar:

NM_003738.5(PTCH2):c.1309G>A (p.Val437Met)

Gene: PTCH2 (patched 2; minus strand). Cytogenetic location: 1p34.1.
Variant type: single nucleotide variant.
Coding change: c.1309G>A on transcript NM_003738.5 (MANE Select); coding-DNA position 1309, G replaced by A.
Protein change: p.Val437Met; replaces valine 437 with methionine.
Molecular consequence: missense variant.
Genome position (GRCh38, 1-based): chr1:44,829,219, C>T on the plus strand (G>A on the coding strand, the complement: PTCH2 is on the minus strand). VCF-style: chr1-44829219-C-T. GRCh37 (hg19) VCF-style: chr1-45294891-C-T.
Other names: c.1309G>A, p.Val437Met (NM_001166292.2); short protein forms V437M.
Identifiers: ClinVar variation 2198358 (VCV002198358.4), dbSNP rs757860248, ClinGen allele CA340103101.

ClinVar aggregate classification (germline): Uncertain significance (1 of 4 stars; one submission).

Conditions:
Gorlin syndrome. Also called: Nevoid Basal Cell Carcinoma Syndrome; Basal cell nevus syndrome. Identifiers: Orphanet 377, MedGen C0004779, MONDO:0007187.

Submission:

Labcorp Genetics (formerly Invitae), Labcorp
Classification: Uncertain significance for Gorlin syndrome. Last evaluated: 2022-07-13. Review status: criteria provided, single submitter. Criteria: Invitae Variant Classification Sherloc (09022015). Collection method: clinical testing. Allele origin: germline.
Comment: This sequence change replaces valine, which is neutral and non-polar, with methionine, which is neutral and non-polar, at codon 437 of the PTCH2 protein (p.Val437Met). This variant is not present in population databases (gnomAD no frequency). This variant has not been reported in the literature in individuals affected with PTCH2-related conditions. Algorithms developed to predict the effect of missense changes on protein structure and function are either unavailable or do not agree on the potential impact of this missense change (SIFT: "Deleterious"; PolyPhen-2: "Probably Damaging"; Align-GVGD: "Class C0"). In summary, the available evidence is currently insufficient to determine the role of this variant in disease. Therefore, it has been classified as a Variant of Uncertain Significance.